The following is an entry in ClinVar:

NM_182961.4(SYNE1):c.21445G>A (p.Ala7149Thr)

Gene: SYNE1 (spectrin repeat containing nuclear envelope protein 1; minus strand). Cytogenetic location: 6q25.2.
Variant type: single nucleotide variant.
Coding change: c.21445G>A on transcript NM_182961.4 (MANE Select); coding-DNA position 21445, G replaced by A.
Protein change: p.Ala7149Thr; replaces alanine 7149 with threonine.
Molecular consequence: missense variant.
Genome position (GRCh38, 1-based): chr6:152,224,571, C>T on the plus strand (G>A on the coding strand, the complement: SYNE1 is on the minus strand). VCF-style: chr6-152224571-C-T. GRCh37 (hg19) VCF-style: chr6-152545706-C-T.
Other names: c.21232G>A, p.Ala7078Thr (NM_033071.5); short protein forms A7078T, A7149T.
Identifiers: ClinVar variation 2936504 (VCV002936504.3), dbSNP rs1192714722, ClinGen allele CA366107558.
Genomic context (GRCh38, chr6:152,224,571, plus strand): 5'-GAACTTGCACAGCTTCTAAGGAGCCAGTCAGCAGACGGAATCGGGAAAGAGAGTATCTGG[C>T]CTCCATGAGGTAACTGTTTATCTTGTCAAAGGCCACTTTGTGACTACTCCATTGGTCAAG-3'
Protein context (NP_892006.3, residues 7139-7159): FDKINSYLME[Ala7149Thr]RYSLSRFRLL

ClinVar aggregate classification (germline): Uncertain significance (1 of 4 stars; one submission).

Conditions:
Emery-Dreifuss muscular dystrophy 4, autosomal dominant (EDMD4). Also called: EMERY-DREIFUSS MUSCULAR DYSTROPHY 4 WITH VARIABLE FEATURES. Identifiers: Orphanet 261, MedGen C2751807, MONDO:0013071, OMIM 612998.
Autosomal recessive ataxia, Beauce type. Also called: Spinocerebellar ataxia, autosomal recessive 8; ATAXIA, RECESSIVE, OF BEAUCE; SYNE1-Related Autosomal Recessive Cerebellar Ataxia; SYNE1 Deficiency. Identifiers: Orphanet 88644, MedGen C1853116, MONDO:0012549, OMIM 610743.

Allele frequency attached by ClinVar (database versions not stated): TOPMed below 0.00001.

Submission:

Labcorp Genetics (formerly Invitae), Labcorp
Classification: Uncertain significance for Emery-Dreifuss muscular dystrophy 4, autosomal dominant; Autosomal recessive ataxia, Beauce type. Last evaluated: 2022-11-24. Review status: criteria provided, single submitter. Criteria: Invitae Variant Classification Sherloc (09022015). Collection method: clinical testing. Allele origin: germline.
Comment: Algorithms developed to predict the effect of missense changes on protein structure and function are either unavailable or do not agree on the potential impact of this missense change (SIFT: "Deleterious"; PolyPhen-2: "Benign"; Align-GVGD: "Class C0"). In summary, the available evidence is currently insufficient to determine the role of this variant in disease. Therefore, it has been classified as a Variant of Uncertain Significance. This variant has not been reported in the literature in individuals affected with SYNE1-related conditions. This variant is not present in population databases (gnomAD no frequency). This sequence change replaces alanine, which is neutral and non-polar, with threonine, which is neutral and polar, at codon 7078 of the SYNE1 protein (p.Ala7078Thr).